The following is an entry in ClinVar:

ClinVar aggregate classification (germline): Conflicting classifications of pathogenicity. Review status: criteria provided, conflicting classifications (1 of 4 stars). 4 submissions from 4 submitters: Uncertain significance (1); Likely benign (3). Last evaluated 2026-06-25.

Conditions:
TECTA-related disorder. Also called: TECTA-related condition.

Allele frequency attached by ClinVar (database versions not stated): 1000 Genomes Project 0.00020; ExAC 0.00024; gnomAD exomes 0.00014 and 0.00005; 1000 Genomes Project 30x 0.00016; gnomAD 0.00006 and 0.00007; ESP Exome Variant Server 0.00008; TOPMed 0.00013.
gnomAD v4.1: 85 of 1,608,026 alleles (0.0053%); highest among the groups gnomAD compares: East Asian, 0.056%; no homozygotes.

Submissions (4):

PreventionGenetics, part of Exact Sciences
Classification: Likely benign for TECTA-related condition. Last evaluated: 2026-06-25. Review status: criteria provided, single submitter. Criteria: ACMG Guidelines, 2015. Collection method: clinical testing. Allele origin: germline.
Comment: This variant is classified as likely benign based on ACMG/AMP sequence variant interpretation guidelines (Richards et al. 2015 PMID: 25741868, with internal and published modifications).

Labcorp Genetics (formerly Invitae), Labcorp
Classification: Likely benign. Last evaluated: 2025-07-19. Review status: criteria provided, single submitter. Criteria: Invitae Variant Classification Sherloc (09022015). Collection method: clinical testing. Allele origin: germline.

Blueprint Genetics
Classification: Uncertain significance. Last evaluated: 2023-11-30. Review status: criteria provided, single submitter. Criteria: ACMG Guidelines, 2015. Collection method: clinical testing. Allele origin: germline.

Laboratory for Molecular Medicine, Mass General Brigham Personalized Medicine
Classification: Likely benign. Last evaluated: 2012-04-30. Review status: criteria provided, single submitter. Criteria: LMM Criteria. Collection method: clinical testing. Allele origin: germline. Observed: 1 variant allele.
Comment: Ala1768Ala in Exon 16 of TECTA: This variant is not expected to have clinical si gnificance because it does not alter an amino acid residue, is not located withi n the splice consensus sequence, and has been identified in 1/7020 European Amer ican chromosomes from a broad population by the NHLBI Exome Sequencing Project.

NM_005422.4(TECTA):c.5304G>A (p.Ala1768=)

Genes: TBCEL-TECTA (TBCEL-TECTA readthrough; plus strand), TECTA (tectorin alpha; plus strand). Cytogenetic location: 11q23.3.
Variant type: single nucleotide variant.
Coding change: c.5304G>A on transcript NM_005422.4 (MANE Select); coding-DNA position 5304, G replaced by A.
Protein change: p.Ala1768=; no amino-acid change (alanine 1768 retained).
Molecular consequence: synonymous variant.
Genome position (GRCh38, 1-based): chr11:121,165,304, G>A. VCF-style: chr11-121165304-G-A. GRCh37 (hg19) VCF-style: chr11-121036013-G-A.
Other names: c.6246G>A, p.Ala2082= (NM_001378761.1).
Identifiers: ClinVar variation 45337 (VCV000045337.15), dbSNP rs373055342, ClinGen allele CA136063.